The following is an entry in ClinVar:

ClinVar aggregate classification (germline): Uncertain significance. Review status: criteria provided, multiple submitters, no conflicts (2 of 4 stars). 2 submissions from 2 submitters: Uncertain significance (2). Last evaluated 2026-07-11.

Conditions:
Cardiovascular phenotype. Identifiers: MedGen CN230736.
Ehlers-Danlos syndrome, classic type, 1 (EDSCL1). Also called: EHLERS-DANLOS SYNDROME, GRAVIS TYPE; EHLERS-DANLOS SYNDROME, SEVERE CLASSIC TYPE; EDS I; Ehlers-Danlos syndrome, type 1; Ehlers-Danlos Syndrome, Classic Type, COL5A1-Related. Identifiers: MedGen C0268335, MONDO:0019567, OMIM 130000.
Osteogenesis imperfecta type I (OI1). Also called: OI, TYPE I; OSTEOGENESIS IMPERFECTA TARDA; OSTEOGENESIS IMPERFECTA WITH BLUE SCLERAE; Classic Non-deforming Osteogenesis Imperfecta with Blue Sclerae; Osteogenesis imperfecta type 1; Lobstein's Disease. Identifiers: Orphanet 216796, Orphanet 666, MedGen C0023931, MONDO:0008146, OMIM 166200. Disease mechanism: loss of function.

Submissions (2):

Ambry Genetics
Classification: Uncertain significance for Cardiovascular phenotype. Last evaluated: 2026-07-11. Review status: criteria provided, single submitter. Criteria: Ambry Variant Classification Scheme 2023. Collection method: clinical testing. Allele origin: germline.
Comment: The p.G542R variant (also known as c.1624G>A), located in coding exon 28 of the COL1A2 gene, results from a G to A substitution at nucleotide position 1624. The glycine at codon 542 is replaced by arginine, an amino acid with dissimilar properties. This amino acid position is conserved. In addition, the in silico prediction for this alteration is inconclusive. Based on the available evidence, the clinical significance of this variant remains unclear.

Labcorp Genetics (formerly Invitae), Labcorp
Classification: Uncertain significance for Osteogenesis imperfecta type I; Ehlers-Danlos syndrome, classic type, 1. Last evaluated: 2025-10-08. Review status: criteria provided, single submitter. Criteria: Invitae Variant Classification Sherloc (09022015). Collection method: clinical testing. Allele origin: germline.
Comment: This sequence change replaces glycine, which is neutral and non-polar, with arginine, which is basic and polar, at codon 542 of the COL1A2 protein (p.Gly542Arg). This variant is not present in population databases (gnomAD no frequency). This variant has not been reported in the literature in individuals affected with COL1A2-related conditions. Invitae Evidence Modeling of protein sequence and biophysical properties (such as structural, functional, and spatial information, amino acid conservation, physicochemical variation, residue mobility, and thermodynamic stability) indicates that this missense variant is not expected to disrupt COL1A2 protein function with a negative predictive value of 95%. In summary, the available evidence is currently insufficient to determine the role of this variant in disease. Therefore, it has been classified as a Variant of Uncertain Significance.

NM_000089.4(COL1A2):c.1624G>A (p.Gly542Arg)

Gene: COL1A2 (collagen type I alpha 2 chain; plus strand). Cytogenetic location: 7q21.3.
Variant type: single nucleotide variant.
Coding change: c.1624G>A on transcript NM_000089.4 (MANE Select); coding-DNA position 1624, G replaced by A.
Protein change: p.Gly542Arg; replaces glycine 542 with arginine.
Molecular consequence: missense variant.
Genome position (GRCh38, 1-based): chr7:94,413,906, G>A. VCF-style: chr7-94413906-G-A. GRCh37 (hg19) VCF-style: chr7-94043218-G-A.
Other names: short protein forms G542R.
Identifiers: ClinVar variation 4788123 (VCV004788123.3).